The following is an entry in ClinVar:

NM_005228.5(EGFR):c.3524A>T (p.Asp1175Val)

Gene: EGFR (epidermal growth factor receptor; plus strand). Cytogenetic location: 7p11.2.
Variant type: single nucleotide variant.
Coding change: c.3524A>T on transcript NM_005228.5 (MANE Select); coding-DNA position 3524, A replaced by T.
Protein change: p.Asp1175Val; replaces aspartic acid 1175 with valine.
Molecular consequence: missense variant.
Genome position (GRCh38, 1-based): chr7:55,205,508, A>T. VCF-style: chr7-55205508-A-T. GRCh37 (hg19) VCF-style: chr7-55273201-A-T.
Other names: c.3389A>T, p.Asp1130Val (NM_001346899.2); c.3365A>T, p.Asp1122Val (NM_001346900.2); c.2723A>T, p.Asp908Val (NM_001346941.2); short protein forms D1130V, D1175V, D1122V, D908V.
Identifiers: ClinVar variation 1354340 (VCV001354340.8), dbSNP rs2128975521, ClinGen allele CA367584818.

ClinVar aggregate classification (germline): Uncertain significance (1 of 4 stars; one submission).

Conditions:
EGFR-related lung cancer (EGFR). Identifiers: MedGen CN130014.

Allele frequency attached by ClinVar (database versions not stated): gnomAD exomes below 0.00001.
gnomAD v4.1: 4 of 1,614,210 alleles (0.00025%); highest among the groups gnomAD compares: Non-Finnish European, 0.00034%; no homozygotes.

Submission:

Labcorp Genetics (formerly Invitae), Labcorp
Classification: Uncertain significance for EGFR-related lung cancer. Last evaluated: 2021-05-17. Review status: criteria provided, single submitter. Criteria: Invitae Variant Classification Sherloc (09022015). Collection method: clinical testing. Allele origin: germline.
Comment: In summary, the available evidence is currently insufficient to determine the role of this variant in disease. Therefore, it has been classified as a Variant of Uncertain Significance. Algorithms developed to predict the effect of sequence changes on RNA splicing suggest that this variant may create or strengthen a splice site, but this prediction has not been confirmed by published transcriptional studies. Algorithms developed to predict the effect of missense changes on protein structure and function are either unavailable or do not agree on the potential impact of this missense change (SIFT: "Deleterious"; PolyPhen-2: "Possibly Damaging"; Align-GVGD: "Class C0"). This variant has not been reported in the literature in individuals with EGFR-related conditions. This variant is not present in population databases (ExAC no frequency). This sequence change replaces aspartic acid with valine at codon 1175 of the EGFR protein (p.Asp1175Val). The aspartic acid residue is moderately conserved and there is a large physicochemical difference between aspartic acid and valine.